The following is an entry in ClinVar:

NM_138694.4(PKHD1):c.7350+646T>G

Gene: PKHD1 (PKHD1 ciliary IPT domain containing fibrocystin/polyductin; minus strand). Cytogenetic location: 6p12.2.
Variant type: single nucleotide variant.
Coding change: c.7350+646T>G on transcript NM_138694.4 (MANE Select); 646 bases into the intron after coding-DNA position 7350, T replaced by G.
Molecular consequence: intron variant.
Genome position (GRCh38, 1-based): chr6:51,882,447, A>C on the plus strand (T>G on the coding strand, the complement: PKHD1 is on the minus strand). VCF-style: chr6-51882447-A-C. GRCh37 (hg19) VCF-style: chr6-51747245-A-C.
Other names: c.7350+646T>G (NM_170724.3).
Identifiers: ClinVar variation 4979637 (VCV004979637.1).
Genomic context (GRCh38, chr6:51,882,447, plus strand): 5'-TCTATAGCTGTGAAATAAATAATCTTCAATGGAAGTATAAGAATCAAAACTTATCATTTA[A>C]ATTTCAATTGAACTAAGCACTCAGGAACAAACTGAAGAGAATATTCTTCCTTGGCTCCCA-3'

ClinVar aggregate classification (germline): Likely benign (1 of 4 stars; one submission).

Conditions:
PKHD1-related disorder. Also called: PKHD1-related condition.

Submission:

PreventionGenetics, part of Exact Sciences
Classification: Likely benign for PKHD1-related condition. Last evaluated: 2025-01-10. Review status: criteria provided, single submitter. Criteria: ACMG Guidelines, 2015. Collection method: clinical testing. Allele origin: germline.
Comment: This variant is classified as likely benign based on ACMG/AMP sequence variant interpretation guidelines (Richards et al. 2015 PMID: 25741868, with internal and published modifications).